The following is an entry in ClinVar:

NM_004766.3(COPB2):c.1666dup (p.His556fs)

Gene: COPB2 (coat protein complex I subunit beta 2; minus strand). Cytogenetic location: 3q23.
Variant type: Duplication.
Coding change: c.1666dup on transcript NM_004766.3 (MANE Select); coding-DNA position 1666, one base duplicated (C; older notation c.1666dupC).
Protein change: p.His556fs; shifts the reading frame from histidine 556.
Molecular consequence: frameshift variant. On other transcripts: non-coding transcript variant (1).
Genome position (GRCh38, 1-based): chr3:139,367,025, G duplicated on the plus strand (C on the coding strand, the reverse complement: COPB2 is on the minus strand); the first of 3 consecutive G bases (chr3:139,367,025-139,367,027); duplicating any one gives the same sequence. VCF-style (leftmost placement, unchanged base first): chr3-139367024-T-TG. GRCh37 (hg19) VCF-style: chr3-139085866-T-TG.
Other names: c.1579dup, p.His527fs (NM_001410834.1); short protein forms H527fs, H556fs.
Identifiers: ClinVar variation 4531876 (VCV004531876.1).

ClinVar aggregate classification (germline): Likely pathogenic (1 of 4 stars; one submission).

Conditions:
Osteoporosis, childhood- or juvenile-onset, with developmental delay. Identifiers: MedGen C5676992, MONDO:0859253, OMIM 619884.

Submission:

Victorian Clinical Genetics Services, Murdoch Childrens Research Institute
Classification: Likely pathogenic for Osteoporosis, childhood- or juvenile-onset, with developmental delay. Last evaluated: 2025-08-07. Review status: criteria provided, single submitter. Criteria: ACMG Guidelines, 2015. Collection method: clinical testing. Allele origin: germline. Affected: yes.
Comment: This variant is classified as Likely pathogenic. Evidence in support of pathogenic classification: Variant is predicted to cause nonsense-mediated decay (NMD) and loss of protein (premature termination codon is located at least 54 nucleotides upstream of the final exon-exon junction); Variant is absent from gnomAD (v2, v3 and v4); Other NMD-predicted variants comparable to the one identified in this case have strong previous evidence for pathogenicity (Clinvar, PMID: 34450031) Additional information: This variant is heterozygous; This gene is associated with autosomal dominant disease. There have also been limited reports of autosomal recessive inheritance (PMID: 29036432, 37734708); This variant has no previous evidence of pathogenicity; No published evidence of segregation with disease has been identified for this variant; No published functional evidence has been identified for this variant; Loss of function is a known mechanism of disease in this gene and is associated with osteoporosis, childhood- or juvenile-onset, with developmental delay (MIM#619884); Inheritance information for this variant is not currently available in this individual.

Literature cited by the submitters: PubMed 34450031; PubMed 29036432; PubMed 37734708.